The following is an entry in ClinVar:

ClinVar aggregate classification (germline): Pathogenic/Likely pathogenic. Review status: criteria provided, multiple submitters, no conflicts (2 of 4 stars). 2 submissions from 2 submitters: Pathogenic (1); Likely pathogenic (1). Last evaluated 2025-11-19.

Conditions:
Cerebral cavernous malformation (CCM). Also called: Cavernous Hemangioma of Brain; Cerebral cavernous hemangioma (type); Cerebral cavernous malformations; CAVERNOUS ANGIOMA, FAMILIAL; CAVERNOUS ANGIOMATOUS MALFORMATIONS; CEREBRAL CAPILLARY MALFORMATIONS. Identifiers: Orphanet 221061, MedGen C2919945, MONDO:0000820, OMIM 116860, HP:0033522.

Submissions (2):

Labcorp Genetics (formerly Invitae), Labcorp
Classification: Pathogenic for Cerebral cavernous malformation. Last evaluated: 2025-11-19. Review status: criteria provided, single submitter. Criteria: Invitae Variant Classification Sherloc (09022015). Collection method: clinical testing. Allele origin: germline.
Comment: This sequence change creates a premature translational stop signal (p.Ser236*) in the KRIT1 gene. It is expected to result in an absent or disrupted protein product. Loss-of-function variants in KRIT1 are known to be pathogenic (PMID: 10508515, 11222804, 12404106, 24689081). This variant is not present in population databases (gnomAD no frequency). This variant has not been reported in the literature in individuals affected with KRIT1-related conditions. ClinVar contains an entry for this variant (Variation ID: 590750). Algorithms developed to predict the effect of sequence changes on RNA splicing suggest that this variant may disrupt the consensus splice site. For these reasons, this variant has been classified as Pathogenic.

PreventionGenetics, part of Exact Sciences
Classification: Likely pathogenic. Last evaluated: 2016-03-18. Review status: criteria provided, single submitter. Criteria: ACMG Guidelines, 2015. Collection method: clinical testing. Allele origin: germline.

Literature cited by the submitters: PubMed 10508515 (cited by Labcorp Genetics (formerly Invitae), Labcorp); PubMed 11222804 (cited by Labcorp Genetics (formerly Invitae), Labcorp); PubMed 12404106 (cited by Labcorp Genetics (formerly Invitae), Labcorp); PubMed 24689081 (cited by Labcorp Genetics (formerly Invitae), Labcorp).

NM_194454.3(KRIT1):c.707C>G (p.Ser236Ter)

Gene: KRIT1 (KRIT1 ankyrin repeat containing; minus strand). Cytogenetic location: 7q21.2.
Variant type: single nucleotide variant.
Coding change: c.707C>G on transcript NM_194454.3 (MANE Select); coding-DNA position 707, C replaced by G.
Protein change: p.Ser236Ter; replaces serine 236 with a stop codon.
Molecular consequence: nonsense. On other transcripts: intron variant (1).
Genome position (GRCh38, 1-based): chr7:92,235,425, G>C on the plus strand (C>G on the coding strand, the complement: KRIT1 is on the minus strand). VCF-style: chr7-92235425-G-C. GRCh37 (hg19) VCF-style: chr7-91864739-G-C.
Other names: c.707C>G, p.Ser236Ter (NM_001350678.1, NM_001350679.1, NM_001350680.1 and 29 more transcripts); c.15+109C>G (NM_001350671.1); short protein forms S236*.
Identifiers: ClinVar variation 590750 (VCV000590750.3), dbSNP rs1563305269, ClinGen allele CA368159449.
Genomic context (GRCh38, chr7:92,235,425, plus strand): 5'-GTCTTTTAAATCAGAGCTAAAATTCATTCAACTCTTACCCGATTTGTATACTGAAGATCT[G>C]ATCCAAACAAAGGGTTGTAAATACAGGTATCTGCTTTCTCTAGGGCTAACATTTTACTCT-3'